The following is an entry in ClinVar:

NM_000122.2(ERCC3):c.2210C>G (p.Ser737Cys)

Gene: ERCC3 (ERCC excision repair 3, TFIIH core complex helicase subunit; minus strand). Cytogenetic location: 2q14.3.
Variant type: single nucleotide variant.
Coding change: c.2210C>G on transcript NM_000122.2 (MANE Select); coding-DNA position 2210, C replaced by G.
Protein change: p.Ser737Cys; replaces serine 737 with cysteine.
Molecular consequence: missense variant.
Genome position (GRCh38, 1-based): chr2:127,259,303, G>C on the plus strand (C>G on the coding strand, the complement: ERCC3 is on the minus strand). VCF-style: chr2-127259303-G-C. GRCh37 (hg19) VCF-style: chr2-128016879-G-C.
Other names: c.2018C>G, p.Ser673Cys (NM_001303416.2, NM_001303418.2); short protein forms S673C, S737C.
Identifiers: ClinVar variation 1713714 (VCV001713714.5), dbSNP rs2468002298, ClinGen allele CA348385509.

ClinVar aggregate classification (germline): Uncertain significance (1 of 4 stars; one submission).

Submission:

Labcorp Genetics (formerly Invitae), Labcorp
Classification: Uncertain significance. Last evaluated: 2026-01-26. Review status: criteria provided, single submitter. Criteria: Invitae Variant Classification Sherloc (09022015). Collection method: clinical testing. Allele origin: germline.
Comment: This sequence change replaces serine, which is neutral and polar, with cysteine, which is neutral and slightly polar, at codon 737 of the ERCC3 protein (p.Ser737Cys). This variant is not present in population databases (gnomAD no frequency). This variant has not been reported in the literature in individuals affected with ERCC3-related conditions. ClinVar contains an entry for this variant (Variation ID: 1713714). Invitae Evidence Modeling of protein sequence and biophysical properties (such as structural, functional, and spatial information, amino acid conservation, physicochemical variation, residue mobility, and thermodynamic stability) indicates that this missense variant is not expected to disrupt ERCC3 protein function with a negative predictive value of 80%. In summary, the available evidence is currently insufficient to determine the role of this variant in disease. Therefore, it has been classified as a Variant of Uncertain Significance.